The following is an entry in ClinVar:

NM_017780.4(CHD7):c.5668_5669insTG (p.Lys1890fs)

Gene: CHD7 (chromodomain helicase DNA binding protein 7; plus strand). Cytogenetic location: 8q12.2.
Variant type: Insertion.
Coding change: c.5668_5669insTG on transcript NM_017780.4 (MANE Select); coding-DNA positions 5668 to 5669, TG inserted.
Protein change: p.Lys1890fs; shifts the reading frame from lysine 1890.
Molecular consequence: frameshift variant. On other transcripts: intron variant (1).
Genome position: GRCh38 VCF-style: chr8-60852021-A-ATG. GRCh37 (hg19) VCF-style: chr8-61764580-A-ATG.
Other names: c.1717-10208_1717-10207insTG (NM_001316690.1); short protein forms K1890fs.
Identifiers: ClinVar variation 4293898 (VCV004293898.1).
Genomic context (GRCh38, chr8:60,852,021, plus strand): 5'-TACTCTGTATTGCAAGATTGCAGCTACACATTTCAAAAATGTTTTTCCACTTCCCCAGGC[A>ATG]AGCACAGTGAGAGTAATGCTGAGTTAGGCCAACTTTACTGGCCTAACACTTCAACCCTGA-3'

ClinVar aggregate classification (germline): Likely pathogenic (1 of 4 stars; one submission).

Conditions:
CHARGE syndrome (CHARGE). Also called: Hittner Hirsch Kreh syndrome; CHARGE ASSOCIATION--COLOBOMA, HEART ANOMALY, CHOANAL ATRESIA, RETARDATION, GENITAL AND EAR ANOMALIES; Coloboma, heart anomaly, choanal atresia, retardation, genital and ear anomalies; CHARGE association; Hall-Hittner syndrome. Identifiers: Orphanet 138, MedGen C0265354, MONDO:0008965.

Submission:

3billion
Classification: Likely pathogenic for CHD7-related CHARGE syndrome. Last evaluated: 2025-01-21. Review status: criteria provided, single submitter. Criteria: ACMG Guidelines, 2015. Collection method: clinical testing. Allele origin: germline. Affected: yes.
Comment: The variant is not observed in the gnomAD v4.1.0 dataset. Predicted Consequence/Location: Frameshift: predicted to result in a loss or disruption of normal protein function through nonsense-mediated decay (NMD) or protein truncation. Multiple pathogenic variants are reported downstream of the variant. Therefore, this variant is classified as Likely pathogenic according to the recommendation of ACMG/AMP guideline.